The following is an entry in ClinVar:

ClinVar aggregate classification (germline): Pathogenic. Review status: criteria provided, multiple submitters, no conflicts (2 of 4 stars). 2 submissions from 2 submitters: Pathogenic (2). Last evaluated 2024-03-12.

Conditions:
Cold-induced sweating syndrome 1 (CISS1). Also called: CRISPONI/COLD-INDUCED SWEATING SYNDROME 1; CRLF1-Related Cold-Induced Sweating Syndrome including Crisponi Syndrome; MUSCLE CONTRACTIONS, TETANOFORM, WITH CHARACTERISTIC FACE, CAMPTODACTYLY, HYPERTHERMIA, AND SUDDEN DEATH; Crisponi syndrome. Identifiers: Orphanet 1545, Orphanet 157820, MedGen C1848947, MONDO:0010091, OMIM 272430.

Allele frequency attached by ClinVar (database versions not stated): gnomAD 0.00001; gnomAD exomes 0.00001.

Submissions (2):

Fulgent Genetics
Classification: Pathogenic for Cold-induced sweating syndrome 1. Last evaluated: 2024-03-12. Review status: criteria provided, single submitter. Criteria: ACMG Guidelines, 2015. Collection method: clinical testing. Allele origin: germline.

Hacettepe Genetic Diseases Diagnosis Center, Hacettepe University Faculty of Medicine
Classification: Pathogenic for Cold-induced sweating syndrome 1. Last evaluated: 2020-06-01. Review status: criteria provided, single submitter. Criteria: ACMG Guidelines, 2015. Collection method: clinical testing. Allele origin: germline. Inheritance: Autosomal recessive inheritance. Affected: yes. Observed: 1 homozygote.
Comment: This variant was neither found in ExAC nor 1000G. This change was classified as "pathogenic" according to the ACMG guidelines and predicted to be disease causing by in silico analysis such as MutationTaster.

NM_004750.5(CRLF1):c.531G>A (p.Trp177Ter)

Gene: CRLF1 (cytokine receptor like factor 1; minus strand). Cytogenetic location: 19p13.11.
Variant type: single nucleotide variant.
Coding change: c.531G>A on transcript NM_004750.5 (MANE Select); coding-DNA position 531, G replaced by A.
Protein change: p.Trp177Ter; replaces tryptophan 177 with a stop codon.
Molecular consequence: nonsense.
Genome position (GRCh38, 1-based): chr19:18,598,598, C>T on the plus strand (G>A on the coding strand, the complement: CRLF1 is on the minus strand). VCF-style: chr19-18598598-C-T. GRCh37 (hg19) VCF-style: chr19-18709408-C-T.
Other names: short protein forms W177*.
Identifiers: ClinVar variation 929438 (VCV000929438.3), dbSNP rs1976175724, ClinGen allele CA404851470.
Genomic context (GRCh38, chr19:18,598,598, plus strand): 5'-GATGTGGCAGGAGTGGGGCCCCACTGTGTGGTACTCCTCACATGTGTTGTCCTGGCCATA[C>T]CACCTGCGGGGATGGGAGGGCGACAGGACGCATGAGGGTTCCTTGTGGCCCCCAGACCTC-3'